The following is an entry in ClinVar:

ClinVar aggregate classification (germline): Uncertain significance. Review status: criteria provided, multiple submitters, no conflicts (2 of 4 stars). 2 submissions from 2 submitters: Uncertain significance (2). Last evaluated 2025-10-22.

Conditions:
Inborn genetic diseases. Identifiers: MedGen C0950123, MeSH D030342.

Allele frequency attached by ClinVar (database versions not stated): TOPMed 0.00006; ExAC 0.00010; ESP Exome Variant Server 0.00015.

Submissions (2):

Labcorp Genetics (formerly Invitae), Labcorp
Classification: Uncertain significance. Last evaluated: 2025-10-22. Review status: criteria provided, single submitter. Criteria: Invitae Variant Classification Sherloc (09022015). Collection method: clinical testing. Allele origin: germline.
Comment: This sequence change replaces lysine, which is basic and polar, with asparagine, which is neutral and polar, at codon 221 of the MRPS34 protein (p.Lys221Asn). This variant is present in population databases (rs149572684, gnomAD 0.01%). This variant has not been reported in the literature in individuals affected with MRPS34-related conditions. ClinVar contains an entry for this variant (Variation ID: 2195037). An algorithm developed to predict the effect of missense changes on protein structure and function (PolyPhen-2) suggests that this variant is likely to be disruptive. In summary, the available evidence is currently insufficient to determine the role of this variant in disease. Therefore, it has been classified as a Variant of Uncertain Significance.

Ambry Genetics
Classification: Uncertain significance for Inborn genetic diseases. Last evaluated: 2025-07-29. Review status: criteria provided, single submitter. Criteria: Ambry Variant Classification Scheme 2023. Collection method: clinical testing. Allele origin: germline.

NM_023936.2(MRPS34):c.642G>C (p.Lys214Asn)

Genes: MRPS34 (mitochondrial ribosomal protein S34; minus strand), LOC130058182 (ATAC-STARR-seq lymphoblastoid active region 10236; plus strand). Cytogenetic location: 16p13.3.
Variant type: single nucleotide variant.
Coding change: c.642G>C on transcript NM_023936.2 (MANE Select); coding-DNA position 642, G replaced by C.
Protein change: p.Lys214Asn; replaces lysine 214 with asparagine.
Molecular consequence: missense variant.
Genome position (GRCh38, 1-based): chr16:1,772,236, C>G on the plus strand (G>C on the coding strand, the complement: MRPS34 is on the minus strand). VCF-style: chr16-1772236-C-G. GRCh37 (hg19) VCF-style: chr16-1822237-C-G.
Other names: c.663G>C, p.Lys221Asn (NM_001300900.2); c.642G>C (NM_023936.1); short protein forms K214N, K221N.
Identifiers: ClinVar variation 2195037 (VCV002195037.7), dbSNP rs149572684, ClinGen allele CA7818276.